The following is an entry in ClinVar:

NM_006662.3(SRCAP):c.5884C>T (p.Pro1962Ser)

Gene: SRCAP (Snf2 related CREBBP activator protein; plus strand). Cytogenetic location: 16p11.2.
Variant type: single nucleotide variant.
Coding change: c.5884C>T on transcript NM_006662.3 (MANE Select); coding-DNA position 5884, C replaced by T.
Protein change: p.Pro1962Ser; replaces proline 1962 with serine.
Molecular consequence: missense variant.
Genome position (GRCh38, 1-based): chr16:30,729,191, C>T. VCF-style: chr16-30729191-C-T. GRCh37 (hg19) VCF-style: chr16-30740512-C-T.
Other names: short protein forms P1962S.
Identifiers: ClinVar variation 4680999 (VCV004680999.1).
Genomic context (GRCh38, chr16:30,729,191, plus strand): 5'-GGCCCCAGCCACCCCACCTTTTGGACTTATACCGAGGCTGCCCACCGGGCTGTACTGTTT[C>T]CCCAGCAGCGACTAGACCAGCTGTCAGAAATCATTGAGAGGTTGGCAGGGCTAAGTGCTA-3'
Protein context (NP_006653.2, residues 1952-1972): TEAAHRAVLF[Pro1962Ser]QQRLDQLSEI

ClinVar aggregate classification (germline): Uncertain significance (1 of 4 stars; one submission).

Submission:

GeneDx
Classification: Uncertain significance. Last evaluated: 2025-07-02. Review status: criteria provided, single submitter. Criteria: GeneDx Variant Classification Process June 2021. Collection method: clinical testing. Allele origin: germline. Affected: yes.
Comment: Not observed at significant frequency in large population cohorts (gnomAD); In silico analysis supports that this missense variant has a deleterious effect on protein structure/function; Has not been previously published as pathogenic or benign to our knowledge